The following is an entry in ClinVar:

ClinVar aggregate classification (germline): Likely benign. Review status: criteria provided, multiple submitters, no conflicts (2 of 4 stars). 5 submissions from 5 submitters: Likely benign (4). 1 of the submissions does not count toward it. Last evaluated 2026-02-03.

Conditions:
Familial thoracic aortic aneurysm and aortic dissection (TAAD). Also called: Thoracic aortic aneurysms and dissections. Identifiers: Orphanet 91387, MedGen C4707243, MONDO:0019625.
Aortic aneurysm, familial thoracic 4 (AAT4). Also called: AORTIC ANEURYSM/AORTIC DISSECTION AND PATENT DUCTUS ARTERIOSUS. Identifiers: MedGen C1851504, MONDO:0007568, OMIM 132900.
MYH11-related disorder. Also called: MYH11-related condition.

Allele frequency attached by ClinVar (database versions not stated): ExAC 0.00001; gnomAD 0.00001; gnomAD exomes 0.00001; TOPMed 0.00001.
gnomAD v4.1: 17 of 1,613,988 alleles (0.0011%); highest among the groups gnomAD compares: Middle Eastern, 0.016%; no homozygotes.

Submissions (5):

Labcorp Genetics (formerly Invitae), Labcorp
Classification: Likely benign for Aortic aneurysm, familial thoracic 4. Last evaluated: 2026-02-03. Review status: criteria provided, single submitter. Criteria: Invitae Variant Classification Sherloc (09022015). Collection method: clinical testing. Allele origin: germline.

Ambry Genetics
Classification: Likely benign for Familial thoracic aortic aneurysm and aortic dissection. Last evaluated: 2025-11-02. Review status: criteria provided, single submitter. Criteria: Ambry Variant Classification Scheme 2023. Collection method: clinical testing. Allele origin: germline.

All of Us Research Program, National Institutes of Health
Classification: Likely benign for Familial thoracic aortic aneurysm and aortic dissection. Last evaluated: 2024-08-30. Review status: criteria provided, single submitter. Criteria: ACMG Guidelines, 2015. Collection method: clinical testing. Allele origin: germline. Inheritance: Autosomal dominant inheritance. Observed: 3 variant alleles, 3 heterozygotes.
Comment: This study involves interpretation of variants in research participants for the purpose of population health screening. Participant phenotype was not available at the time of variant classification. Additional details can be found in publication PMID: 35346344, PMCID: PMC8962531

Color Diagnostics, LLC DBA Color Health
Classification: Likely benign for Familial thoracic aortic aneurysm and aortic dissection. Last evaluated: 2023-12-05. Review status: criteria provided, single submitter. Criteria: ACMG Guidelines, 2015. Collection method: clinical testing. Allele origin: germline.

PreventionGenetics, part of Exact Sciences
Classification: Likely benign for MYH11-related condition. Last evaluated: 2023-11-16. Review status: no assertion criteria provided. Collection method: clinical testing. Allele origin: germline. Not counted in ClinVar's aggregate classification.
Comment: This variant is classified as likely benign based on ACMG/AMP sequence variant interpretation guidelines (Richards et al. 2015 PMID: 25741868, with internal and published modifications).

NM_002474.3(MYH11):c.3435C>T (p.Gly1145=)

Gene: MYH11 (myosin heavy chain 11; minus strand). Cytogenetic location: 16p13.11.
Variant type: single nucleotide variant.
Coding change: c.3435C>T on transcript NM_002474.3 (MANE Select); coding-DNA position 3435, C replaced by T.
Protein change: p.Gly1145=; no amino-acid change (glycine 1145 retained).
Molecular consequence: synonymous variant.
Genome position (GRCh38, 1-based): chr16:15,735,437, G>A on the plus strand (C>T on the coding strand, the complement: MYH11 is on the minus strand). VCF-style: chr16-15735437-G-A. GRCh37 (hg19) VCF-style: chr16-15829294-G-A.
Other names: c.3456C>T, p.Gly1152= (NM_001040113.2, NM_001040114.2); c.3435C>T, p.Gly1145= (NM_022844.3); c.3435C>T (NM_002474.2).
Identifiers: ClinVar variation 920107 (VCV000920107.11), dbSNP rs776410055, ClinGen allele CA7921994.